The following is an entry in ClinVar:

ClinVar aggregate classification (germline): Likely pathogenic (1 of 4 stars; one submission).

Submission:

GeneDx
Classification: Likely pathogenic. Last evaluated: 2017-07-28. Review status: criteria provided, single submitter. Criteria: GeneDx Variant Classification (06012015). Collection method: clinical testing. Allele origin: germline. Affected: yes.
Comment: The c.13112delG variant in the SYNE1 gene has not been reported previously as a pathogenic variant nor as a benign variant, to our knowledge. This variant causes a frameshift starting with codon Glycine 4371, changes this amino acid to an Alanine residue, and creates a premature Stop codon at position 7 of the new reading frame, denoted p.Gly4371AlafsX7. This variant is predicted to cause loss of normal protein function either through protein truncation or nonsense-mediated mRNA decay. The c.13112delG variant was not observed in approximately 6500 individuals of European and African American ancestry in the NHLBI Exome Sequencing Project, indicating it is not a common benign variant in these populations. The c.13112delG variant is a strong candidate for a pathogenic variant, however the possibility it may be a rare benign variant cannot be excluded.

NM_182961.4(SYNE1):c.13325del (p.Gly4442fs)

Gene: SYNE1 (spectrin repeat containing nuclear envelope protein 1; minus strand). Cytogenetic location: 6q25.2.
Variant type: Deletion.
Coding change: c.13325del on transcript NM_182961.4 (MANE Select); coding-DNA position 13325, one base deleted (G; older notation c.13325delG).
Protein change: p.Gly4442fs; shifts the reading frame from glycine 4442.
Molecular consequence: frameshift variant.
Genome position (GRCh38, 1-based): chr6:152,331,360, C deleted on the plus strand (G on the coding strand, the reverse complement: SYNE1 is on the minus strand); the first of 3 consecutive C bases (chr6:152,331,360-152,331,362); deleting any one gives the same sequence. VCF-style (leftmost placement, unchanged base first): chr6-152331359-GC-G. GRCh37 (hg19) VCF-style: chr6-152652494-GC-G.
Other names: c.13112del, p.Gly4371fs (NM_033071.5); c.13112delG (NM_033071.3); short protein forms G4442fs, G4371fs.
Identifiers: ClinVar variation 420555 (VCV000420555.2), dbSNP rs1064794555, ClinGen allele CA16618258.
Genomic context (GRCh38, chr6:152,331,359, plus strand): 5'-CACTGCCATGAGAAACTGGGTTTTCTCGGACAAGGCTTTGTTTAAGTACTTTCTTCGCTG[GC>G]CCACTAAGTCACTGAGACAATTCACGTGGCTTTGTGCATCAGAGAGAGCCTTCTGGATGA-3'